The following is an entry in ClinVar:

ClinVar aggregate classification (germline): Pathogenic. Review status: criteria provided, multiple submitters, no conflicts (2 of 4 stars). 3 submissions from 3 submitters: Pathogenic (2). 1 of the submissions does not count toward it. Last evaluated 2025-01-08.

Conditions:
SDCCAG8-related disorder. Also called: SDCCAG8-Related Disorders; SDCCAG8-related condition.
Bardet-Biedl syndrome 16 (BBS16). Identifiers: Orphanet 110, MedGen C3889474, MONDO:0014444, OMIM 615993.
Senior-Loken syndrome 7 (SLSN7). Identifiers: Orphanet 3156, MedGen C3150877, MONDO:0013326, OMIM 613615.

Allele frequency attached by ClinVar (database versions not stated): gnomAD exomes below 0.00001; gnomAD 0.00001; TOPMed 0.00001.
gnomAD v4.1: 4 of 1,613,680 alleles (0.00025%); highest among the groups gnomAD compares: Admixed American, 0.005%; no homozygotes.

Submissions (3):

Labcorp Genetics (formerly Invitae), Labcorp
Classification: Pathogenic for Bardet-Biedl syndrome 16; Senior-Loken syndrome 7. Last evaluated: 2025-01-08. Review status: criteria provided, single submitter. Criteria: Invitae Variant Classification Sherloc (09022015). Collection method: clinical testing. Allele origin: germline.
Comment: This sequence change creates a premature translational stop signal (p.Gln161*) in the SDCCAG8 gene. It is expected to result in an absent or disrupted protein product. Loss-of-function variants in SDCCAG8 are known to be pathogenic (PMID: 20835237, 22190896). This variant is present in population databases (rs797045947, gnomAD 0.003%). This variant has not been reported in the literature in individuals affected with SDCCAG8-related conditions. ClinVar contains an entry for this variant (Variation ID: 212140). For these reasons, this variant has been classified as Pathogenic.

Genetic Services Laboratory, University of Chicago
Classification: Pathogenic for Senior-Loken syndrome 7. Last evaluated: 2015-04-09. Review status: criteria provided, single submitter. Criteria: ACMG Guidelines, 2015. Collection method: clinical testing. Allele origin: germline. Affected: yes.

PreventionGenetics, part of Exact Sciences
Classification: Pathogenic for SDCCAG8-related condition. Last evaluated: 2024-05-16. Review status: no assertion criteria provided. Collection method: clinical testing. Allele origin: germline. Not counted in ClinVar's aggregate classification.
Comment: The SDCCAG8 c.481C>T variant is predicted to result in premature protein termination (p.Gln161*). This variant has been reported in the homozygous state in an individual with autosomal recessive retinitis pigmentosa and kidney failure (Biswas et al. 2021. PubMed ID: 34662339). This variant is reported in 0.0029% of alleles in individuals of Latino descent in gnomAD. In ClinVar, this variant is interpreted as pathogenic. Nonsense variants in SDCCAG8 are expected to be pathogenic (Otto et al. 2010. PubMed ID: 20835237). This variant is interpreted as pathogenic.

Literature cited by the submitters: PubMed 20835237 (cited by Labcorp Genetics (formerly Invitae), Labcorp); PubMed 22190896 (cited by Labcorp Genetics (formerly Invitae), Labcorp).

NM_006642.5(SDCCAG8):c.481C>T (p.Gln161Ter)

Gene: SDCCAG8 (SHH signaling and ciliogenesis regulator SDCCAG8; plus strand). Cytogenetic location: 1q43.
Variant type: single nucleotide variant.
Coding change: c.481C>T on transcript NM_006642.5 (MANE Select); coding-DNA position 481, C replaced by T.
Protein change: p.Gln161Ter; replaces glutamine 161 with a stop codon.
Molecular consequence: nonsense. On other transcripts: 5 prime UTR variant (3).
Genome position (GRCh38, 1-based): chr1:243,286,332, C>T. VCF-style: chr1-243286332-C-T. GRCh37 (hg19) VCF-style: chr1-243449634-C-T.
Other names: c.-632C>T (NM_001350246.2); c.-520C>T (NM_001350247.2); c.481C>T, p.Gln161Ter (NM_001350248.2); c.187C>T, p.Gln63Ter (NM_001350249.2); c.-893C>T (NM_001350251.2); short protein forms Q161*, Q63*.
Identifiers: ClinVar variation 212140 (VCV000212140.16), dbSNP rs797045947, ClinGen allele CA206745.